The following is an entry in ClinVar:

NM_152743.4(BRAT1):c.294dup (p.Leu99fs)

Gene: BRAT1 (BRCA1 associated ATM activator 1; minus strand). Cytogenetic location: 7p22.3.
Variant type: Duplication.
Coding change: c.294dup on transcript NM_152743.4 (MANE Select); coding-DNA position 294, one base duplicated (A; older notation c.294dupA).
Protein change: p.Leu99fs; shifts the reading frame from leucine 99.
Molecular consequence: frameshift variant. On other transcripts: non-coding transcript variant (1), intron variant (1).
Genome position (GRCh38, 1-based): chr7:2,545,045, T duplicated on the plus strand (A on the coding strand, the reverse complement: BRAT1 is on the minus strand). VCF-style (leftmost placement, unchanged base first): chr7-2545044-G-GT. GRCh37 (hg19) VCF-style: chr7-2584678-G-GT.
Other names: NP_689956.2:p.(Leu99ThrfsTer92); c.294dup, p.Leu99fs (NM_001350626.2); c.-95-1083dup (NM_001350627.2); c.294dupA (NM_152743.3); short protein forms L99fs.
Identifiers: ClinVar variation 279703 (VCV000279703.66), dbSNP rs776913277, ClinGen allele CA4128245.

ClinVar aggregate classification (germline): Pathogenic/Likely pathogenic. Review status: criteria provided, multiple submitters, no conflicts (2 of 4 stars). 21 submissions from 21 submitters: Pathogenic (19); Likely pathogenic (1). 1 of the submissions does not count toward it. Last evaluated 2026-05-30.

Conditions:
Inborn genetic diseases. Identifiers: MedGen C0950123, MeSH D030342.
Early-infantile developmental and epileptic encephalopathy. Identifiers: MedGen C5781758.
BRAT1-related neurodevelopmental disorders.
BRAT1-related disorder. Also called: BRAT1-related disorders; BRAT1-related condition.
Neurodevelopmental disorder with cerebellar atrophy and with or without seizures. Identifiers: MedGen C4748032, MONDO:0020841, OMIM 618056.
Neonatal-onset encephalopathy with rigidity and seizures. Also called: Lethal neonatal spasticity-epileptic encephalopathy syndrome. Identifiers: Orphanet 435845, MedGen C3281029, MONDO:0013784, OMIM 614498.

Allele frequency attached by ClinVar (database versions not stated): ESP Exome Variant Server 0.00016; TOPMed 0.00019; gnomAD 0.00021 and 0.00022; gnomAD exomes 0.00024 and 0.00033; ExAC 0.00079.

Submissions 1 to 9 of 21:

PreventionGenetics, part of Exact Sciences
Classification: Pathogenic for BRAT1-related condition. Last evaluated: 2026-05-30. Review status: criteria provided, single submitter. Criteria: ACMG Guidelines, 2015. Collection method: clinical testing. Allele origin: germline.
Comment: The BRAT1 c.294dupA variant is predicted to result in a frameshift and premature protein termination (p.Leu99Thrfs*92). This variant has been reported in the compound heterozygous state in many patients with BRAT1-associated neurodegenerative disorders (Hanes et al. 2015. PubMed ID: 26483087; Mundy et al. 2016. PubMed ID: 26494257; Oatts et al. 2017. PubMed ID: 28635423; Stödberg et al. 2020. PubMed ID: 32964447). This variant is reported in 0.074% of alleles in individuals of Ashkenazi Jewish descent in gnomAD. Frameshift variants in BRAT1 are expected to be pathogenic. This variant is interpreted as pathogenic.

Labcorp Genetics (formerly Invitae), Labcorp
Classification: Pathogenic for Neonatal-onset encephalopathy with rigidity and seizures. Last evaluated: 2026-02-02. Review status: criteria provided, single submitter. Criteria: Invitae Variant Classification Sherloc (09022015). Collection method: clinical testing. Allele origin: germline.
Comment: This sequence change creates a premature translational stop signal (p.Leu99Thrfs*92) in the BRAT1 gene. It is expected to result in an absent or disrupted protein product. Loss-of-function variants in BRAT1 are known to be pathogenic (PMID: 22279524, 25500575). This variant is present in population databases (rs776913277, gnomAD 0.08%). This premature translational stop signal has been observed in individual(s) with neonatal onset of hypertonia and seizures and progressive global developmental delay, visual impairment, microcephaly, hypertonia, hyperreflexia, and seizures (PMID: 26483087, 26494257). ClinVar contains an entry for this variant (Variation ID: 279703). For these reasons, this variant has been classified as Pathogenic.

Laboratory for Molecular Medicine, Mass General Brigham Personalized Medicine
Classification: Pathogenic for Neonatal-onset encephalopathy with rigidity and seizures. Last evaluated: 2024-02-28. Review status: criteria provided, single submitter. Criteria: ACMG Guidelines, 2015. Collection method: clinical testing. Allele origin: germline. Inheritance: Autosomal recessive inheritance.
Comment: The p.Leu99ThrfsX92 variant in BRAT1 has been reported in the compound heterozygous state (confirmed in trans) in at least 5 individuals with clinical features of variable severity consistent with BRAT1-associated neurodevelopmental disorders and segregated with the phenotype in 2 affected relatives from 1 family (Hanes 2015 PMID: 26483087, Mundy 2016 PMID: 26494257, Oatts 2017 PMID: 28635423, Taylor 2019 PMID: 31345272, Stodberg 2020 PMID: 32964447). This variant has also been reported by other clinical laboratories in ClinVar (Variation ID 279703) and has been identified in 0.09% (22/24284) of Ashkenazi Jewish chromosomes by gnomAD (v4.0.0), consistent with a recessive carrier frequency. This variant is predicted to cause a frameshift, which alters the protein’s amino acid sequence beginning at position 99 and leads to a premature termination codon 92 amino acids downstream. This alteration is then predicted to lead to a truncated or absent protein. Biallelic loss of function of the BRAT1 gene is an established disease mechanism in autosomal recessive BRAT1-related neurodevelopmental disorder. In summary, this variant meets criteria to be classified as pathogenic for autosomal recessive BRAT1-related neurodevelopmental disorders. ACMG/AMP Criteria applied: PVS1, PP1_Moderate, PM3.

Unidad de Genómica Garrahan, Hospital de Pediatría Garrahan
Classification: Pathogenic for Early-infantile developmental and epileptic encephalopathy. Last evaluated: 2024-01-01. Review status: criteria provided, single submitter. Criteria: ACMG Guidelines, 2015. Collection method: clinical testing. Allele origin: maternal. Affected: yes. Observed: 1 variant allele.
Comment: ACMG/AMP criteria applied: PVS1_very strong, PM2_supporting, PM3_very strong. Observed in compound heterozygosity with NM_152743.4:c.638dup (p.Val214GlyfsTer189).

Blueprint Genetics
Classification: Pathogenic for BRAT1-related disorders. Last evaluated: 2023-11-16. Review status: criteria provided, single submitter. Criteria: ACMG Guidelines, 2015. Collection method: clinical testing. Allele origin: germline. Affected: yes. Observed: 5 variant alleles.

Department of Pathology and Laboratory Medicine, Sinai Health System
Classification: Pathogenic for Neurodevelopmental disorder with cerebellar atrophy and with or without seizures. Last evaluated: 2023-09-28. Review status: criteria provided, single submitter. Criteria: ACMG Guidelines, 2015. Collection method: research. Allele origin: germline.

GeneDx
Classification: Pathogenic. Last evaluated: 2023-05-31. Review status: criteria provided, single submitter. Criteria: GeneDx Variant Classification Process June 2021. Collection method: clinical testing. Allele origin: germline. Affected: yes.
Comment: Frameshift variant predicted to result in protein truncation or nonsense mediated decay in a gene for which loss-of-function is a known mechanism of disease; This variant is associated with the following publications: (PMID: 27282546, 26494257, 27480663, 27282648, 31440721, 31980526, 28635423, 32964447, 26483087, 33726816, 35620305)

CeGaT Center for Human Genetics Tuebingen
Classification: Pathogenic. Last evaluated: 2022-05-01. Review status: criteria provided, single submitter. Criteria: CeGaT Center For Human Genetics Tuebingen Variant Classification Criteria Version 2. Collection method: clinical testing. Allele origin: germline. Affected: yes. Observed: 1 variant allele.
Comment: BRAT1: PVS1, PM2, PM3

Victorian Clinical Genetics Services, Murdoch Childrens Research Institute
Classification: Pathogenic for Neonatal-onset encephalopathy with rigidity and seizures. Last evaluated: 2022-03-31. Review status: criteria provided, single submitter. Criteria: ACMG Guidelines, 2015. Collection method: clinical testing. Allele origin: germline. Inheritance: Autosomal recessive inheritance.
Comment: Based on the classification scheme VCGS_Germline_v1.3.4, this variant is classified as Pathogenic. Following criteria are met: 0102 - Loss of function is a known mechanism of disease in this gene and is associated with neurodevelopmental disorder with cerebellar atrophy and with or without seizures (MIM#618056) and lethal neonatal rigidity and multifocal seizure syndrome (MIM#614498). (I) 0106 - This gene is associated with autosomal recessive disease. (I) 0201 - Variant is predicted to cause nonsense-mediated decay (NMD) and loss of protein (premature termination codon is located at least 54 nucleotides upstream of the final exon-exon junction). (SP) 0251 - This variant is heterozygous. (I) 0304 - Variant is present in gnomAD (v2) <0.01 for a recessive condition (42 heterozygotes, 0 homozygotes). (SP) 0701 - Other NMD-predicted variants comparable to the one identified in this case have very strong previous evidence for pathogenicity. These variants have been reported many times as pathogenic, and observed in individuals with neurodevelopmental disorder with cerebellar atrophy, with or without seizures, or lethal neonatal rigidity and multifocal seizure syndrome (DECIPHER). (SP) 0801 - This variant has strong previous evidence of pathogenicity in unrelated individuals. This variant has been reported many times as pathogenic and likely pathogenic, and observed in individuals with brain malformations (ClinVar, PMID: 32964447). (SP) 1208 - Inheritance information for this variant is not currently available in this individual. (I) Legend: (SP) - Supporting pathogenic, (I) - Information, (SB) - Supporting benign